The following is an entry in ClinVar:

NM_000053.4(ATP7B):c.3413-11C>A

Gene: ATP7B (ATPase copper transporting beta; minus strand). Cytogenetic location: 13q14.3.
Variant type: single nucleotide variant.
Coding change: c.3413-11C>A on transcript NM_000053.4 (MANE Select); 11 bases into the intron before coding-DNA position 3413, C replaced by A.
Molecular consequence: intron variant.
Genome position (GRCh38, 1-based): chr13:51,941,235, G>T on the plus strand (C>A on the coding strand, the complement: ATP7B is on the minus strand). VCF-style: chr13-51941235-G-T. GRCh37 (hg19) VCF-style: chr13-52515371-G-T.
Other names: c.2927-11C>A (NM_001406541.1, NM_001406542.1); c.3161-11C>A (NM_001406531.1, NM_001406532.1, NM_001330579.2); c.3179-11C>A (NM_001406527.1, NM_001406528.1, NM_001330578.2); c.3074-11C>A (NM_001406537.1); c.3269-11C>A (NM_001406521.1, NM_001406522.1, NM_001406520.1); c.3407-11C>A (NM_001406513.1); c.3413-11C>A (NM_001406511.1, NM_001406512.1, NM_001406526.1); c.3064+1151C>A (NM_001406543.1); and 20 more.
Identifiers: ClinVar variation 3013432 (VCV003013432.4), dbSNP rs369312119, ClinGen allele CA6988696.

ClinVar aggregate classification (germline): Conflicting classifications of pathogenicity. Review status: criteria provided, conflicting classifications (1 of 4 stars). 2 submissions from 2 submitters: Uncertain significance (1); Likely benign (1). Last evaluated 2023-11-19.

Conditions:
Wilson disease (WND). Also called: Wilson's disease. Identifiers: Orphanet 905, MedGen C0019202, MONDO:0010200, OMIM 277900. Disease mechanism: loss of function.

Allele frequency attached by ClinVar (database versions not stated): gnomAD 0.00001.
gnomAD v4.1: 17 of 1,614,006 alleles (0.0011%); highest among the groups gnomAD compares: Non-Finnish European, 0.0014%; no homozygotes.

Submissions (2):

Labcorp Genetics (formerly Invitae), Labcorp
Classification: Likely benign for Wilson disease. Last evaluated: 2023-11-19. Review status: criteria provided, single submitter. Criteria: Invitae Variant Classification Sherloc (09022015). Collection method: clinical testing. Allele origin: germline.

All of Us Research Program, National Institutes of Health
Classification: Uncertain significance for Wilson disease. Last evaluated: 2023-04-03. Review status: criteria provided, single submitter. Criteria: ACMG Guidelines, 2015. Collection method: clinical testing. Allele origin: germline. Inheritance: Autosomal recessive inheritance. Observed: 1 variant allele, 1 heterozygote.
Comment: This variant causes a C to A nucleotide substitution at the -11 position of intron 15 of the ATP7B gene. To our knowledge, functional studies have not been reported for this variant. This variant has not been reported in individuals affected with ATP7B-related disorders in the literature. This variant has not been identified in the general population by the Genome Aggregation Database (gnomAD). The available evidence is insufficient to determine the role of this variant in disease conclusively. Therefore, this variant is classified as a Variant of Uncertain Significance.

This study involves interpretation of variants in research participants for the purpose of population health screening. Participant phenotype was not available at the time of variant classification. Additional details can be found in publication PMID: 35346344, PMCID: PMC8962531